The following is an entry in ClinVar:

ClinVar aggregate classification (germline): Uncertain significance (1 of 4 stars; one submission).

Submission:

GeneDx
Classification: Uncertain significance. Last evaluated: 2025-03-12. Review status: criteria provided, single submitter. Criteria: GeneDx Variant Classification Process June 2021. Collection method: clinical testing. Allele origin: germline.
Comment: Not observed at significant frequency in large population cohorts (gnomAD); In silico analysis supports that this missense variant has a deleterious effect on protein structure/function; Has not been previously published as pathogenic or benign to our knowledge

NM_003491.4(NAA10):c.308A>T (p.Asn103Ile)

Gene: NAA10 (N-alpha-acetyltransferase 10, NatA catalytic subunit; minus strand). Cytogenetic location: Xq28.
Variant type: single nucleotide variant.
Coding change: c.308A>T on transcript NM_003491.4 (MANE Select); coding-DNA position 308, A replaced by T.
Protein change: p.Asn103Ile; replaces asparagine 103 with isoleucine.
Molecular consequence: missense variant.
Genome position (GRCh38, 1-based): chrX:153,932,349, T>A on the plus strand (A>T on the coding strand, the complement: NAA10 is on the minus strand). VCF-style: chrX-153932349-T-A. GRCh37 (hg19) VCF-style: chrX-153197802-T-A.
Other names: c.308A>T, p.Asn103Ile (NM_001256119.2); c.290A>T, p.Asn97Ile (NM_001256120.2); short protein forms N103I, N97I.
Identifiers: ClinVar variation 2500532 (VCV002500532.2), dbSNP rs143447799, ClinGen allele CA415159134.
Genomic context (GRCh38, chrX:153,932,349, plus strand): 5'-TCCCCCTTCCCTCAGCCCGGCTTCCACCTCTTCCTGACATGCAGGGAGACATATTTGGCA[T>A]TGAAGTTCTCTATCATGGCTCGAGAGGCCTGGTCCATCAGTTTCTGAGCCAGACCGAGGC-3'
Protein context (NP_003482.1, residues 93-113): QASRAMIENF[Asn103Ile]AKYVSLHVRK